The following is an entry in ClinVar:

NM_015378.4(VPS13D):c.7676A>G (p.Asn2559Ser)

Gene: VPS13D (vacuolar protein sorting 13 homolog D; plus strand). Cytogenetic location: 1p36.22.
Variant type: single nucleotide variant.
Coding change: c.7676A>G on transcript NM_015378.4 (MANE Select); coding-DNA position 7676, A replaced by G.
Protein change: p.Asn2559Ser; replaces asparagine 2559 with serine.
Molecular consequence: missense variant.
Genome position (GRCh38, 1-based): chr1:12,321,936, A>G. VCF-style: chr1-12321936-A-G. GRCh37 (hg19) VCF-style: chr1-12381993-A-G.
Other names: c.7676A>G, p.Asn2559Ser (NM_018156.4); c.7676A>G (NM_015378.2); short protein forms N2559S.
Identifiers: ClinVar variation 2142219 (VCV002142219.2), dbSNP rs927062033, ClinGen allele CA18030496.

ClinVar aggregate classification (germline): Uncertain significance. Review status: criteria provided, multiple submitters, no conflicts (2 of 4 stars). 2 submissions from 2 submitters: Uncertain significance (2). Last evaluated 2022-08-08.

Conditions:
Inborn genetic diseases. Identifiers: MedGen C0950123, MeSH D030342.

Allele frequency attached by ClinVar (database versions not stated): gnomAD exomes 0.00001; TOPMed 0.00004; gnomAD 0.00005.
gnomAD v4.1: 23 of 1,613,512 alleles (0.0014%); highest among the groups gnomAD compares: African/African-American, 0.004%; no homozygotes.

Submissions (2):

Ambry Genetics
Classification: Uncertain significance for Inborn genetic diseases. Last evaluated: 2022-08-08. Review status: criteria provided, single submitter. Criteria: Ambry Variant Classification Scheme 2023. Collection method: clinical testing. Allele origin: germline.

Labcorp Genetics (formerly Invitae), Labcorp
Classification: Uncertain significance. Last evaluated: 2022-08-06. Review status: criteria provided, single submitter. Criteria: Invitae Variant Classification Sherloc (09022015). Collection method: clinical testing. Allele origin: germline.
Comment: This sequence change replaces asparagine, which is neutral and polar, with serine, which is neutral and polar, at codon 2559 of the VPS13D protein (p.Asn2559Ser). This variant is present in population databases (no rsID available, gnomAD 0.004%). This variant has not been reported in the literature in individuals affected with VPS13D-related conditions. Algorithms developed to predict the effect of missense changes on protein structure and function are either unavailable or do not agree on the potential impact of this missense change (SIFT: "Deleterious"; PolyPhen-2: "Possibly Damaging"; Align-GVGD: "Class C0"). In summary, the available evidence is currently insufficient to determine the role of this variant in disease. Therefore, it has been classified as a Variant of Uncertain Significance.